The following is an entry in ClinVar:

NM_130468.4(CHST14):c.888G>C (p.Val296=)

Gene: CHST14 (carbohydrate sulfotransferase 14; plus strand). Cytogenetic location: 15q15.1.
Variant type: single nucleotide variant.
Coding change: c.888G>C on transcript NM_130468.4 (MANE Select); coding-DNA position 888, G replaced by C.
Protein change: p.Val296=; no amino-acid change (valine 296 retained).
Molecular consequence: synonymous variant.
Genome position (GRCh38, 1-based): chr15:40,472,101, G>C. VCF-style: chr15-40472101-G-C. GRCh37 (hg19) VCF-style: chr15-40764300-G-C.
Other names: p.Val296=.
Identifiers: ClinVar variation 4683963 (VCV004683963.1).

ClinVar aggregate classification (germline): Likely benign (1 of 4 stars; one submission).

Submission:

Mayo Clinic Laboratories, Mayo Clinic
Classification: Likely benign. Last evaluated: 2025-10-03. Review status: criteria provided, single submitter. Criteria: ACMG Guidelines, 2015. Collection method: clinical testing. Allele origin: germline. Observed: 1 variant allele.
Comment: BP4, BP7, PM2_supporting